The following is an entry in ClinVar:

ClinVar aggregate classification (germline): Uncertain significance (1 of 4 stars; one submission).

Conditions:
Retinoblastoma (RB1). Also called: RETINOBLASTOMA, SOMATIC. Identifiers: Orphanet 790, MedGen C0035335, MeSH D012175, MONDO:0008380, OMIM 180200, HP:0009919. Disease mechanism: loss of function. Inheritance: Both sporadic and heritable forms are tested..

Submission:

Labcorp Genetics (formerly Invitae), Labcorp
Classification: Uncertain significance for Retinoblastoma. Last evaluated: 2022-06-10. Review status: criteria provided, single submitter. Criteria: Invitae Variant Classification Sherloc (09022015). Collection method: clinical testing. Allele origin: germline.
Comment: This variant is not present in population databases (gnomAD no frequency). Variants that disrupt the consensus splice site are a relatively common cause of aberrant splicing (PMID: 17576681, 9536098). Algorithms developed to predict the effect of sequence changes on RNA splicing suggest that this variant may create or strengthen a splice site. In summary, the available evidence is currently insufficient to determine the role of this variant in disease. Therefore, it has been classified as a Variant of Uncertain Significance. This variant has not been reported in the literature in individuals affected with RB1-related conditions. This sequence change falls in intron 21 of the RB1 gene. It does not directly change the encoded amino acid sequence of the RB1 protein. It affects a nucleotide within the consensus splice site.

Literature cited by the submitters: PubMed 17576681; PubMed 9536098.

NM_000321.3(RB1):c.2211+6T>G

Gene: RB1 (RB transcriptional corepressor 1; plus strand). Cytogenetic location: 13q14.2.
Variant type: single nucleotide variant.
Coding change: c.2211+6T>G on transcript NM_000321.3 (MANE Select); 6 bases into the intron after coding-DNA position 2211, T replaced by G.
Molecular consequence: intron variant.
Genome position (GRCh38, 1-based): chr13:48,463,841, T>G. VCF-style: chr13-48463841-T-G. GRCh37 (hg19) VCF-style: chr13-49037977-T-G.
Identifiers: ClinVar variation 2004569 (VCV002004569.4), dbSNP rs2138342769, ClinGen allele CA2580087651.